The following is an entry in ClinVar:

NM_019109.5(ALG1):c.1349A>G (p.Asp450Gly)

Genes: EEF2KMT (eukaryotic elongation factor 2 lysine methyltransferase; minus strand), ALG1 (ALG1 chitobiosyldiphosphodolichol beta-mannosyltransferase; plus strand). Cytogenetic location: 16p13.3.
Variant type: single nucleotide variant.
Coding change: c.1349A>G on transcript NM_019109.5 (MANE Select); coding-DNA position 1349, A replaced by G.
Protein change: p.Asp450Gly; replaces aspartic acid 450 with glycine.
Molecular consequence: missense variant. On other transcripts: 3 prime UTR variant (3).
Genome position (GRCh38, 1-based): chr16:5,084,835, A>G. VCF-style: chr16-5084835-A-G. GRCh37 (hg19) VCF-style: chr16-5134836-A-G.
Other names: c.*797T>C (NM_001289029.2, NM_201400.4, NM_201598.4); c.1016A>G, p.Asp339Gly (NM_001330504.2); short protein forms D339G, D450G.
Identifiers: ClinVar variation 2060567 (VCV002060567.3), dbSNP rs1277289881, ClinGen allele CA394674970.

ClinVar aggregate classification (germline): Uncertain significance. Review status: criteria provided, multiple submitters, no conflicts (2 of 4 stars). 2 submissions from 2 submitters: Uncertain significance (2). Last evaluated 2025-05-19.

Conditions:
ALG1-congenital disorder of glycosylation. Also called: CDG Ik; CONGENITAL DISORDER OF GLYCOSYLATION, TYPE Ik; ALG1-CDG. Identifiers: Orphanet 79327, MedGen C2931005, MONDO:0012052, OMIM 608540.

Allele frequency attached by ClinVar (database versions not stated): TOPMed below 0.00001; gnomAD 0.00001; gnomAD exomes 0.00001.
gnomAD v4.1: 5 of 1,596,306 alleles (0.00031%); highest among the groups gnomAD compares: Non-Finnish European, 0.00034%; no homozygotes.

Submissions (2):

Labcorp Genetics (formerly Invitae), Labcorp
Classification: Uncertain significance for ALG1-congenital disorder of glycosylation. Last evaluated: 2025-05-19. Review status: criteria provided, single submitter. Criteria: Invitae Variant Classification Sherloc (09022015). Collection method: clinical testing. Allele origin: germline.
Comment: This sequence change replaces aspartic acid, which is acidic and polar, with glycine, which is neutral and non-polar, at codon 450 of the ALG1 protein (p.Asp450Gly). The frequency data for this variant in the population databases is considered unreliable, as metrics indicate poor data quality at this position in the gnomAD database. This variant has not been reported in the literature in individuals affected with ALG1-related conditions. ClinVar contains an entry for this variant (Variation ID: 2060567). Invitae Evidence Modeling of protein sequence and biophysical properties (such as structural, functional, and spatial information, amino acid conservation, physicochemical variation, residue mobility, and thermodynamic stability) indicates that this missense variant is not expected to disrupt ALG1 protein function with a negative predictive value of 80%. Algorithms developed to predict the effect of sequence changes on RNA splicing suggest that this variant may create or strengthen a splice site. In summary, the available evidence is currently insufficient to determine the role of this variant in disease. Therefore, it has been classified as a Variant of Uncertain Significance.

Fulgent Genetics
Classification: Uncertain significance for ALG1-congenital disorder of glycosylation. Last evaluated: 2024-02-06. Review status: criteria provided, single submitter. Criteria: ACMG Guidelines, 2015. Collection method: clinical testing. Allele origin: germline.